The following is an entry in ClinVar:

NM_206933.4(USH2A):c.486-14G>A

Gene: USH2A (usherin; minus strand). Cytogenetic location: 1q41.
Variant type: single nucleotide variant.
Coding change: c.486-14G>A on transcript NM_206933.4 (MANE Select); 14 bases into the intron before coding-DNA position 486, G replaced by A.
Molecular consequence: intron variant.
Genome position (GRCh38, 1-based): chr1:216,418,693, C>T on the plus strand (G>A on the coding strand, the complement: USH2A is on the minus strand). VCF-style: chr1-216418693-C-T. GRCh37 (hg19) VCF-style: chr1-216592035-C-T.
Other names: c.486-14G>A (NM_007123.6).
Identifiers: ClinVar variation 372543 (VCV000372543.56), dbSNP rs374536346, ClinGen allele CA1396771.
Genomic context (GRCh38, chr1:216,418,693, plus strand): 5'-TAAGTTTGAACACAATCTGCCCATCTACTGTCTTTTCTATAACACACCTTAGGAAGCAAC[C>T]GGAAAAGAGAGAAAAGGTCAGCATCCAACCAAAAAGACATGCTAAGGTATTGTGCAGTTA-3'

ClinVar aggregate classification (germline): Pathogenic/Likely pathogenic. Review status: criteria provided, multiple submitters, no conflicts (2 of 4 stars). 13 submissions from 12 submitters: Pathogenic (7); Likely pathogenic (4). 2 of the submissions do not count toward it. Last evaluated 2026-06-10.

Conditions:
Retinitis pigmentosa 39 (RP39). Identifiers: Orphanet 791, MedGen C3151138, MONDO:0013436, OMIM 613809.
Retinal dystrophy. Also called: Inherited retinal dystrophy. Identifiers: Orphanet 71862, MedGen C0854723, MeSH D058499, MONDO:0019118, HP:0000556.
Usher syndrome type 2A. Also called: RETINAL DISEASE IN USHER SYNDROME TYPE IIA, MODIFIER OF; USHER SYNDROME, TYPE IIA. Identifiers: Orphanet 231178, Orphanet 886, MedGen C1848634, MONDO:0010169, OMIM 276901.
USH2A-related disorder. Also called: USH2A-related condition; USH2A-related disorders. Identifiers: MedGen CN239332.

Allele frequency attached by ClinVar (database versions not stated): gnomAD exomes 0.00001 and 0.00002; ExAC 0.00002; gnomAD 0.00004 and 0.00005; TOPMed 0.00005; ESP Exome Variant Server 0.00008.
gnomAD v4.1: 16 of 1,612,330 alleles (0.00099%); highest among the groups gnomAD compares: Admixed American, 0.01%; no homozygotes.

Submissions (13):

PreventionGenetics, part of Exact Sciences
Classification: Pathogenic for USH2A-related condition. Last evaluated: 2026-06-10. Review status: criteria provided, single submitter. Criteria: ACMG Guidelines, 2015. Collection method: clinical testing. Allele origin: germline.
Comment: The USH2A c.486-14G>A variant is predicted to interfere with splicing. This variant has been reported in individuals with Usher syndrome or non-syndromic retinitis pigmentosa (see for example: Le Guédard-Méreuze et al. 2010. PubMed ID: 20052763; Neveling et al. 2012. PubMed ID: 22334370; Neuhaus et al. 2017. PubMed ID: 28944237). This variant is predicted to alter splicing based on available splicing prediction programs (SpliceAI, Jaganathan et al. 2019. PubMed ID: 30661751), and has been shown to impact splicing using a minigene assay (Le Guédard-Méreuze et al. 2010. PubMed ID: 20052763). However, the use of computer prediction programs is not equivalent to functional evidence. This variant is reported in 0.0087% of alleles in individuals of Latino descent in gnomAD. This variant is interpreted as pathogenic.

Natera, Inc.
Classification: Pathogenic for Usher syndrome type 2A. Last evaluated: 2025-10-27. Review status: criteria provided, single submitter. Criteria: Natera Variant Classification Schema (03/2026). Collection method: clinical testing. Allele origin: germline.
Comment: The c.486-14G>A variant in USH2A is an intronic variant located outside the canonical splice sites. This variant is rare in the general population with a frequency below the threshold expected for the associated phenotype(s). This variant has been observed in one or more individuals affected with the associated recessive disease, as either homozygous or compound heterozygous with a second variant (PMID: 24944099, 28944237). Given the available evidence, this variant is classified as Pathogenic.

Labcorp Genetics (formerly Invitae), Labcorp
Classification: Pathogenic. Last evaluated: 2025-09-15. Review status: criteria provided, single submitter. Criteria: Invitae Variant Classification Sherloc (09022015). Collection method: clinical testing. Allele origin: germline.
Comment: This sequence change falls in intron 2 of the USH2A gene. It does not directly change the encoded amino acid sequence of the USH2A protein. This variant is present in population databases (rs374536346, gnomAD 0.009%). This variant has been observed in individual(s) with retinitis pigmentosa and/or Usher syndrome (PMID: 22334370, 27957503). In at least one individual the data is consistent with being in trans (on the opposite chromosome) from a pathogenic variant. It has also been observed to segregate with disease in related individuals. ClinVar contains an entry for this variant (Variation ID: 372543). Studies have shown that this variant alters mRNA splicing and is expected to lead to the loss of protein expression (PMID: 20052763). For these reasons, this variant has been classified as Pathogenic.

GeneDx
Classification: Likely pathogenic. Last evaluated: 2023-09-28. Review status: criteria provided, single submitter. Criteria: GeneDx Variant Classification Process June 2021. Collection method: clinical testing. Allele origin: germline. Affected: yes.
Comment: Published functional studies suggest a damaging effect on gene splicing (Le Guedard-Mereuze et al., 2010); In silico analysis supports a deleterious effect on splicing; This variant is associated with the following publications: (PMID: 31589614, 28944237, 20052763, 27957503, 25078356, 22334370, 24944099, 31964843)

Baylor Genetics
Classification: Pathogenic for Retinitis pigmentosa 39. Last evaluated: 2023-08-05. Review status: criteria provided, single submitter. Criteria: ACMG Guidelines, 2015. Collection method: clinical testing. Allele origin: unknown.

Genome-Nilou Lab
Classification: Likely pathogenic for Retinitis pigmentosa 39. Last evaluated: 2023-04-11. Review status: criteria provided, single submitter. Criteria: ACMG Guidelines, 2015. Collection method: clinical testing. Allele origin: germline. Affected: no.

Genome-Nilou Lab
Classification: Likely pathogenic for Usher syndrome type 2A. Last evaluated: 2023-04-11. Review status: criteria provided, single submitter. Criteria: ACMG Guidelines, 2015. Collection method: clinical testing. Allele origin: germline. Affected: no.

Blueprint Genetics
Classification: Pathogenic for USH2A-related disorders. Last evaluated: 2022-12-01. Review status: criteria provided, single submitter. Criteria: ACMG Guidelines, 2015. Collection method: clinical testing. Allele origin: germline. Affected: yes. Observed: 5 variant alleles.

CeGaT Center for Human Genetics Tuebingen
Classification: Pathogenic. Last evaluated: 2021-09-01. Review status: criteria provided, single submitter. Criteria: CeGaT Center For Human Genetics Tuebingen Variant Classification Criteria Version 2. Collection method: clinical testing. Allele origin: germline. Affected: yes. Observed: 2 variant alleles.

Institute of Human Genetics, University of Leipzig Medical Center
Classification: Pathogenic for Retinitis pigmentosa 39. Last evaluated: 2020-10-06. Review status: criteria provided, single submitter. Criteria: ACMG Guidelines, 2015. Collection method: clinical testing. Allele origin: unknown. Affected: yes.

Institute of Human Genetics, Univ. Regensburg, Univ. Regensburg
Classification: Likely pathogenic for Retinal dystrophy. Last evaluated: 2014-01-01. Review status: criteria provided, single submitter. Criteria: ACMG Guidelines, 2015. Collection method: clinical testing. Allele origin: germline. Affected: yes.

Counsyl
Classification: Likely pathogenic for Usher syndrome type 2A; Retinitis pigmentosa 39. Last evaluated: 2018-03-23. Review status: no assertion criteria provided. Collection method: clinical testing. Allele origin: unknown. Not counted in ClinVar's aggregate classification.

Joint Genome Diagnostic Labs from Nijmegen and Maastricht, Radboudumc and MUMC+
Classification: Pathogenic for Retinitis pigmentosa 39. Last evaluated: 2016-09-01. Review status: no assertion criteria provided. Collection method: clinical testing. Allele origin: unknown. Affected: yes. Observed: 1 variant allele. Not counted in ClinVar's aggregate classification.

Literature cited by the submitters: PubMed 24944099 (cited by Natera, Inc. and Counsyl); PubMed 28944237 (cited by 3 submitters); PubMed 22334370 (cited by Labcorp Genetics (formerly Invitae), Labcorp and Institute of Human Genetics, Univ. Regensburg, Univ. Regensburg); PubMed 27957503 (cited by Labcorp Genetics (formerly Invitae), Labcorp and Counsyl); PubMed 20052763 (cited by 3 submitters); PubMed 31589614 (cited by Institute of Human Genetics, Univ. Regensburg, Univ. Regensburg); PubMed 31964843 (cited by Institute of Human Genetics, Univ. Regensburg, Univ. Regensburg); PubMed 26927203 (cited by Counsyl); PubMed 22563300 (cited by Counsyl).